The following is an entry in ClinVar:

NM_014425.5(INVS):c.1264G>C (p.Asp422His)

Gene: INVS (inversin; plus strand). Cytogenetic location: 9q31.1.
Variant type: single nucleotide variant.
Coding change: c.1264G>C on transcript NM_014425.5 (MANE Select); coding-DNA position 1264, G replaced by C.
Protein change: p.Asp422His; replaces aspartic acid 422 with histidine.
Molecular consequence: missense variant. On other transcripts: non-coding transcript variant (1).
Genome position (GRCh38, 1-based): chr9:100,252,936, G>C. VCF-style: chr9-100252936-G-C. GRCh37 (hg19) VCF-style: chr9-103015218-G-C.
Other names: c.1264G>C (NM_014425.2, NM_014425.4); c.976G>C, p.Asp326His (NM_001318381.2); c.286G>C, p.Asp96His (NM_001318382.2); short protein forms D96H, D422H, D326H.
Identifiers: ClinVar variation 857401 (VCV000857401.10), dbSNP rs145243134, ClinGen allele CA5158365.

ClinVar aggregate classification (germline): Uncertain significance. Review status: criteria provided, multiple submitters, no conflicts (2 of 4 stars). 5 submissions from 5 submitters: Uncertain significance (4). 1 of the submissions does not count toward it. Last evaluated 2025-01-01.

Conditions:
INVS-related disorder. Also called: INVS-related condition.
Inborn genetic diseases. Identifiers: MedGen C0950123, MeSH D030342.
Nephronophthisis. Also called: Juvenile Nephronophthisis. Identifiers: Orphanet 655, MedGen C0687120, MONDO:0019005, HP:0000090.
Infantile nephronophthisis (NPHP2). Also called: Nephronophthisis 2; Nephronophthisis 2, infantile. Identifiers: Orphanet 655, Orphanet 93591, MedGen C1865872, MONDO:0011190, OMIM 602088.

Allele frequency attached by ClinVar (database versions not stated): gnomAD exomes 0.00011; ExAC 0.00012; TOPMed 0.00012; gnomAD 0.00013 and 0.00014; ESP Exome Variant Server 0.00038.
gnomAD v4.1: 344 of 1,613,546 alleles (0.021%); highest among the groups gnomAD compares: Non-Finnish European, 0.027%; no homozygotes.

Submissions (5):

Ambry Genetics
Classification: Uncertain significance for Inborn genetic diseases. Last evaluated: 2025-01-01. Review status: criteria provided, single submitter. Criteria: Ambry Variant Classification Scheme 2023. Collection method: clinical testing. Allele origin: germline.

Blueprint Genetics
Classification: Uncertain significance. Last evaluated: 2024-10-07. Review status: criteria provided, single submitter. Criteria: ACMG Guidelines, 2015. Collection method: clinical testing. Allele origin: germline.

Labcorp Genetics (formerly Invitae), Labcorp
Classification: Uncertain significance for Nephronophthisis. Last evaluated: 2022-11-01. Review status: criteria provided, single submitter. Criteria: Invitae Variant Classification Sherloc (09022015). Collection method: clinical testing. Allele origin: germline.
Comment: This sequence change replaces aspartic acid, which is acidic and polar, with histidine, which is basic and polar, at codon 422 of the INVS protein (p.Asp422His). This variant is present in population databases (rs145243134, gnomAD 0.02%). This variant has not been reported in the literature in individuals affected with INVS-related conditions. ClinVar contains an entry for this variant (Variation ID: 857401). Algorithms developed to predict the effect of missense changes on protein structure and function are either unavailable or do not agree on the potential impact of this missense change (SIFT: "Deleterious"; PolyPhen-2: "Probably Damaging"; Align-GVGD: "Class C0"). In summary, the available evidence is currently insufficient to determine the role of this variant in disease. Therefore, it has been classified as a Variant of Uncertain Significance.

Fulgent Genetics
Classification: Uncertain significance for Infantile nephronophthisis. Last evaluated: 2022-02-18. Review status: criteria provided, single submitter. Criteria: ACMG Guidelines, 2015. Collection method: clinical testing. Allele origin: unknown.

PreventionGenetics, part of Exact Sciences
Classification: Uncertain significance for INVS-related condition. Last evaluated: 2024-01-30. Review status: no assertion criteria provided. Collection method: clinical testing. Allele origin: germline. Not counted in ClinVar's aggregate classification.
Comment: The INVS c.1264G>C variant is predicted to result in the amino acid substitution p.Asp422His. To our knowledge, this variant has not been reported in the literature. This variant is reported in 0.020% of alleles in individuals of European (Non-Finnish) descent in gnomAD. At this time, the clinical significance of this variant is uncertain due to the absence of conclusive functional and genetic evidence.